The following is an entry in ClinVar:

NM_004260.4(RECQL4):c.965T>C (p.Leu322Pro)

Gene: RECQL4 (RecQ like helicase 4; minus strand). Cytogenetic location: 8q24.3.
Variant type: single nucleotide variant.
Coding change: c.965T>C on transcript NM_004260.4 (MANE Select); coding-DNA position 965, T replaced by C.
Protein change: p.Leu322Pro; replaces leucine 322 with proline.
Molecular consequence: missense variant.
Genome position (GRCh38, 1-based): chr8:144,516,154, A>G on the plus strand (T>C on the coding strand, the complement: RECQL4 is on the minus strand). VCF-style: chr8-144516154-A-G. GRCh37 (hg19) VCF-style: chr8-145741538-A-G.
Other names: short protein forms L322P.
Identifiers: ClinVar variation 1389393 (VCV001389393.6), dbSNP rs2130718879, ClinGen allele CA372688510.

ClinVar aggregate classification (germline): Uncertain significance (1 of 4 stars; one submission).

Conditions:
Baller-Gerold syndrome (BGS). Also called: CRANIOSYNOSTOSIS WITH RADIAL DEFECTS. Identifiers: Orphanet 1225, MedGen C0265308, MONDO:0009039, OMIM 218600.

Allele frequency attached by ClinVar (database versions not stated): gnomAD exomes below 0.00001.

Submission:

Labcorp Genetics (formerly Invitae), Labcorp
Classification: Uncertain significance for Baller-Gerold syndrome. Last evaluated: 2021-08-19. Review status: criteria provided, single submitter. Criteria: Invitae Variant Classification Sherloc (09022015). Collection method: clinical testing. Allele origin: germline.
Comment: This sequence change replaces leucine with proline at codon 322 of the RECQL4 protein (p.Leu322Pro). The leucine residue is weakly conserved and there is a moderate physicochemical difference between leucine and proline. This variant is not present in population databases (ExAC no frequency). This variant has not been reported in the literature in individuals affected with RECQL4-related conditions. Algorithms developed to predict the effect of missense changes on protein structure and function (SIFT, PolyPhen-2, Align-GVGD) all suggest that this variant is likely to be tolerated. In summary, the available evidence is currently insufficient to determine the role of this variant in disease. Therefore, it has been classified as a Variant of Uncertain Significance.